The following is an entry in ClinVar:

ClinVar aggregate classification (germline): Uncertain significance (1 of 4 stars; one submission).

Submission:

Labcorp Genetics (formerly Invitae), Labcorp
Classification: Uncertain significance. Last evaluated: 2022-06-27. Review status: criteria provided, single submitter. Criteria: Invitae Variant Classification Sherloc (09022015). Collection method: clinical testing. Allele origin: germline.
Comment: In summary, the available evidence is currently insufficient to determine the role of this variant in disease. Therefore, it has been classified as a Variant of Uncertain Significance. Experimental studies and prediction algorithms are not available or were not evaluated, and the functional significance of this variant is currently unknown. This variant has not been reported in the literature in individuals affected with ARSG-related conditions. This variant results in a copy number gain of the genomic region encompassing exon(s) 7 of the ARSG gene. While the exact position of this variant cannot be determined from the data, sub-genic copy number gains are generally in tandem (PMID: 25640679). This variant is predicted to be out-of-frame, and may result in an absent or disrupted protein product. However, the current clinical and genetic evidence is not sufficient to establish whether loss-of-function variants in ARSG cause disease.

Literature cited by the submitters: PubMed 25640679.

NC_000017.10:g.(?_66364669)_(66364905_?)dup

Gene: ARSG (arylsulfatase G; plus strand). Cytogenetic location: 17q24.2.
Variant type: Duplication.
Identifiers: ClinVar variation 2426028 (VCV002426028.3).